The following is an entry in ClinVar:

ClinVar aggregate classification (germline): Conflicting classifications of pathogenicity. Review status: criteria provided, conflicting classifications (1 of 4 stars). 18 submissions from 18 submitters: Uncertain significance (2); Benign (4); Likely benign (7). 5 of the submissions do not count toward it. Last evaluated 2026-09-01.

Conditions:
Polycystic kidney disease 4 (PKD4). Also called: PKD3; POLYCYSTIC KIDNEY DISEASE 4 WITH OR WITHOUT POLYCYSTIC LIVER DISEASE; Autosomal Recessive Polycystic Kidney Disease – PKHD1; POLYCYSTIC KIDNEY AND HEPATIC DISEASE 1; POLYCYSTIC KIDNEY DISEASE, INFANTILE, TYPE I. Identifiers: MedGen C4540575, MONDO:0033004, OMIM 263200.
Caroli disease. Identifiers: Orphanet 53035, MedGen C0162510, MONDO:0010913, OMIM 600643.
Autosomal recessive polycystic kidney disease (ARPKD). Also called: AR polycystic kidney disease. Identifiers: Orphanet 731, Orphanet 8378, MedGen C0085548, MeSH D017044, MONDO:0009889.
Polycystic kidney disease. Also called: Kidney, Polycystic; Polycystic kidney dysplasia. Identifiers: MedGen C0022680, MeSH D007690, MONDO:0020642, HP:0000113.

Allele frequency attached by ClinVar (database versions not stated): 1000 Genomes Project 0.00260; 1000 Genomes Project 30x 0.00297; ESP Exome Variant Server 0.00700; gnomAD exomes 0.00764 and 0.00854; ExAC 0.00790; gnomAD 0.00885 and 0.00848; TOPMed 0.00606.
gnomAD v4.1: 13,653 of 1,614,058 alleles (0.85%); highest among the groups gnomAD compares: Non-Finnish European, 0.98%; 114 homozygotes.

Submissions (18):

CeGaT Center for Human Genetics Tuebingen
Classification: Likely benign. Last evaluated: 2026-09-01. Review status: criteria provided, single submitter. Criteria: CeGaT Center For Human Genetics Tuebingen Variant Classification Criteria Version 2. Collection method: clinical testing. Allele origin: germline. Affected: yes. Observed: 39 variant alleles.
Comment: PKHD1: BP4, BS2

Labcorp Genetics (formerly Invitae), Labcorp
Classification: Benign for Autosomal recessive polycystic kidney disease. Last evaluated: 2026-02-04. Review status: criteria provided, single submitter. Criteria: Invitae Variant Classification Sherloc (09022015). Collection method: clinical testing. Allele origin: germline.

Blueprint Genetics
Classification: Likely benign. Last evaluated: 2024-11-26. Review status: criteria provided, single submitter. Criteria: ACMG Guidelines, 2015. Collection method: clinical testing. Allele origin: germline.

Mayo Clinic Laboratories, Mayo Clinic
Classification: Benign. Last evaluated: 2024-10-28. Review status: criteria provided, single submitter. Criteria: ACMG Guidelines, 2015. Collection method: clinical testing. Allele origin: germline. Observed: 9 variant alleles.
Comment: BS1, BS2, BP4

Genome-Nilou Lab
Classification: Likely benign for Polycystic kidney disease 4. Last evaluated: 2021-05-18. Review status: criteria provided, single submitter. Criteria: ACMG Guidelines, 2015. Collection method: clinical testing. Allele origin: germline. Affected: no.

Laboratory of Molecular Diagnosis of Genetic Disease, Università degli Studi di Napoli Federico II
Classification: Uncertain significance for Caroli disease. Last evaluated: 2021-05-05. Review status: criteria provided, single submitter. Criteria: ACMG Guidelines, 2015. Collection method: clinical testing. Allele origin: germline. Affected: yes. Observed: 1 variant allele.

GeneDx
Classification: Benign. Last evaluated: 2020-12-22. Review status: criteria provided, single submitter. Criteria: GeneDx Variant Classification Process June 2021. Collection method: clinical testing. Allele origin: germline. Affected: yes.
Comment: This variant is associated with the following publications: (PMID: 30343465, 15805161, 21228398)

Women's Health and Genetics/Laboratory Corporation of America, LabCorp
Classification: Likely benign. Last evaluated: 2017-06-19. Review status: criteria provided, single submitter. Criteria: LabCorp Variant Classification Summary - May 2015. Collection method: clinical testing. Allele origin: germline.
Comment: Variant summary: The PKHD1 c.3407A>G (p.Tyr1136Cys) variant involves the alteration of a non-conserved nucleotide. 2/4 in silico tools predict a benign outcome for this variant (SNPsandGO not available). This variant was found in 960/121796 control chromosomes (14 homozygotes) at a frequency of 0.007882, which slightly exceeds the estimated maximal expected allele frequency of a pathogenic PKHD1 variant (0.0070711), suggesting this variant is likely a benign polymorphism. In the literature this variant was reported in multiple patients with ARPKD without strong evidence for causality. One reported patient had co-occurrence of a pathogenic variant PKHD1 c. 1458C>A, p.Tyr486X in cis, supporting the non-pathgoenic nature of the variant of interest (Gunay-Aygun_MGM_2010). In addition, multiple clinical diagnostic laboratories/reputable databases classified this variant as benign/likely benign. Taken together, this variant is classified as a likely benign.

Illumina Laboratory Services, Illumina
Classification: Uncertain significance for Polycystic kidney disease 4. Last evaluated: 2017-04-27. Review status: criteria provided, single submitter. Criteria: ICSL Variant Classification Criteria 13 December 2019. Collection method: clinical testing. Allele origin: germline.

Genome Diagnostics Laboratory, University Medical Center Utrecht
Classification: Likely benign for Polycystic kidney disease 4. Last evaluated: 2016-12-12. Review status: criteria provided, single submitter. Criteria: ACGS Guidelines, 2013. Collection method: clinical testing. Allele origin: germline. Affected: yes. Study: VKGL Data-share Consensus.

Center for Pediatric Genomic Medicine, Children's Mercy Hospital and Clinics
Classification: Likely benign. Last evaluated: 2015-02-06. Review status: criteria provided, single submitter. Criteria: ACMG Guidelines, 2015. Collection method: clinical testing. Allele origin: germline.
ClinVar note: Converted during submission from Likely Benign to Likely benign.

Eurofins Ntd Llc (ga)
Classification: Benign. Last evaluated: 2014-01-21. Review status: criteria provided, single submitter. Criteria: EGL Classification Definitions 2015. Collection method: clinical testing. Allele origin: germline. Observed: 2 variant alleles, 2 heterozygotes.

PreventionGenetics, part of Exact Sciences
Classification: Likely benign. Review status: criteria provided, single submitter. Criteria: ACMG Guidelines, 2015. Collection method: clinical testing. Allele origin: germline.

Natera, Inc.
Classification: Likely benign for Autosomal recessive polycystic kidney disease. Last evaluated: 2017-03-28. Review status: no assertion criteria provided. Collection method: clinical testing. Allele origin: germline. Not counted in ClinVar's aggregate classification.

Counsyl
Classification: Likely benign for Polycystic kidney disease, infantile type. Last evaluated: 2014-03-30. Review status: no assertion criteria provided. Collection method: literature only. Allele origin: unknown. Inheritance: Autosomal recessive inheritance. Not counted in ClinVar's aggregate classification.

Department of Pathology and Laboratory Medicine, Sinai Health System
Classification: Likely benign for Polycystic Kidney disease. Review status: no assertion criteria provided. Collection method: clinical testing. Allele origin: unknown. Affected: yes. Study: The Canadian Open Genetics Repository (COGR). Not counted in ClinVar's aggregate classification.
Comment: The PKHD1 p.Tyr1136Cys variant was identified in 1 of 450 proband chromosomes (frequency: 0.002) from individuals or families with ARPKD, and was present in 1 of 400 control chromosomes (frequency: 0.0025) from healthy individuals (Bergmann_2005, Losekoot_2005). The variant was identified in dbSNP (ID: rs41273726) with â€šÃ„Ãºotherâ€šÃ„Ã¹ allele, in the 1000 Genomes Project in 13 of 5000 chromosomes (frequency: 0.0026) and in Exome Variant Server project in 88 of 8600 (frequency 0.01) in European American alleles and 3 of 4406 (frequency 0.0007) African American alleles. The variant was also identified in the Exome Aggregation Consortium database (March 14, 2016) in 959 of 121396 chromosomes of which 14 are homozygotes (frequency 0.0079); or 80 of 6612 European Finnish (frequency 0.0121), 797 of 66734 European non Finnish (frequency 0.01194), 37 of 16512 south Asians (frequency 0.002241), 22 of 11576 Latino (frequency 0.0019), 15 of 10404 African (frequency 0.01442), 1 of 8650 East Asians (frequency 0.0001) and 7 of 908 other (frequency 0.008). The variant was also listed in ClinVar 1x by Emory Genetics Laboratory and 1x by Invitae as benign and identified by Counsyl 1x as likely benign and in Clinvitae by EmyClass 1x as benign. The variant was also identified in RWTH AAachen University ARPKD database with conflicting interpretations: 6x as polymorphism, 11x as pathogenic and 13x as probably pathogenic with control frequency of 0% - 0.5%. The p.Tyr1136 residue is not entirely conserved in mammals and the variant amino acid Cystine is present in frog and computational analyses (PolyPhen-2, SIFT, AlignGVGD, BLOSUM, MutationTaster) provide inconsistent predictions regarding the impact to the protein; this information is not very predictive of pathogenicity. In summary, based on the above information, the clinical significance of this variant cannot be determined with certainty at this time. This variant is classified as a variant of likely benign.

Diagnostic Laboratory, Department of Genetics, University Medical Center Groningen
Classification: Likely benign for Polycystic kidney disease 4. Review status: no assertion criteria provided. Collection method: clinical testing. Allele origin: germline. Affected: yes. Study: VKGL Data-share Consensus. Not counted in ClinVar's aggregate classification.

Laboratory of Diagnostic Genome Analysis, Leiden University Medical Center (LUMC)
Classification: Likely benign. Review status: no assertion criteria provided. Collection method: clinical testing. Allele origin: germline. Affected: yes. Study: VKGL Data-share Consensus. Not counted in ClinVar's aggregate classification.

Literature cited by the submitters: PubMed 15805161 (cited by 3 submitters); PubMed 21228398 (cited by Laboratory of Molecular Diagnosis of Genetic Disease, Università degli Studi di Napoli Federico II and Counsyl); PubMed 30343465 (cited by Laboratory of Molecular Diagnosis of Genetic Disease, Università degli Studi di Napoli Federico II); PubMed 25701400 (cited by Women's Health and Genetics/Laboratory Corporation of America, LabCorp); PubMed 16133180 (cited by Women's Health and Genetics/Laboratory Corporation of America, LabCorp and Counsyl); PubMed 20413436 (cited by Women's Health and Genetics/Laboratory Corporation of America, LabCorp); PubMed 15698423 (cited by Women's Health and Genetics/Laboratory Corporation of America, LabCorp and Counsyl); PubMed 15108277 (cited by Counsyl); PubMed 19914852 (cited by Counsyl).

NM_138694.4(PKHD1):c.3407A>G (p.Tyr1136Cys)

Gene: PKHD1 (PKHD1 ciliary IPT domain containing fibrocystin/polyductin; minus strand). Cytogenetic location: 6p12.2.
Variant type: single nucleotide variant.
Coding change: c.3407A>G on transcript NM_138694.4 (MANE Select); coding-DNA position 3407, A replaced by G.
Protein change: p.Tyr1136Cys; replaces tyrosine 1136 with cysteine.
Molecular consequence: missense variant.
Genome position (GRCh38, 1-based): chr6:52,028,309, T>C on the plus strand (A>G on the coding strand, the complement: PKHD1 is on the minus strand). VCF-style: chr6-52028309-T-C. GRCh37 (hg19) VCF-style: chr6-51893107-T-C.
Other names: c.3407A>G, p.Tyr1136Cys (NM_170724.3); short protein forms Y1136C.
Identifiers: ClinVar variation 167489 (VCV000167489.69), dbSNP rs41273726, ClinGen allele CA180312.